The following is an entry in ClinVar:

NM_000202.8(IDS):c.1181-15C>A

Gene: IDS (iduronate 2-sulfatase; minus strand). Cytogenetic location: Xq28.
Variant type: single nucleotide variant.
Coding change: c.1181-15C>A on transcript NM_000202.8 (MANE Select); 15 bases into the intron before coding-DNA position 1181, C replaced by A.
Molecular consequence: intron variant.
Genome position (GRCh38, 1-based): chrX:149,483,233, G>T on the plus strand (C>A on the coding strand, the complement: IDS is on the minus strand). VCF-style: chrX-149483233-G-T. GRCh37 (hg19) VCF-style: chrX-148564764-G-T.
Other names: c.911-15C>A (NM_001166550.4).
Identifiers: ClinVar variation 3255981 (VCV003255981.2).

ClinVar aggregate classification (germline): Likely pathogenic (1 of 4 stars; one submission).

Conditions:
Mucopolysaccharidosis, MPS-II (MPS2). Also called: Hunter Syndrome; IDURONATE 2-SULFATASE DEFICIENCY; Mucopolysaccharidosis Type II; Mucopolysaccharidosis type 2; Attenuated MPS (subtype; formerly known as mild MPS II); Severe MPS II. Identifiers: Orphanet 580, Orphanet 79388, MedGen C0026705, MONDO:0010674, OMIM 309900.

Submission:

Laboratory of Diagnosis and Therapy of Lysosomal Disorders, University of Padova
Classification: Likely pathogenic for Mucopolysaccharidosis, MPS-II. Last evaluated: 2024-06-07. Review status: criteria provided, single submitter. Criteria: ACMG Guidelines, 2015. Collection method: literature only. Allele origin: germline. Affected: yes. Observed: 3 variant alleles.
Comment: Absent from controls (or at low frequency) in gnomAD database (PM2_Moderate), Patient’s phenotype or family history highly specific for the disease (PP4_Strong)

Classification method: ACMG Guidelines [PMID:25741868] with modifications

Literature cited by the submitters: PubMed 33960103; PubMed 11683780; PubMed 33676511.